The following is an entry in ClinVar:

ClinVar aggregate classification (germline): Uncertain significance. Review status: criteria provided, multiple submitters, no conflicts (2 of 4 stars). 2 submissions from 2 submitters: Uncertain significance (2). Last evaluated 2025-05-13.

Conditions:
Dilated cardiomyopathy 1KK (CMD1KK). Identifiers: Orphanet 154, Orphanet 75249, MedGen C3714995, MONDO:0014100, OMIM 615248.
Cardiovascular phenotype. Identifiers: MedGen CN230736.

Allele frequency attached by ClinVar (database versions not stated): gnomAD 0.00001; TOPMed 0.00002; gnomAD exomes below 0.00001.
gnomAD v4.1: 7 of 1,613,952 alleles (0.00043%); highest among the groups gnomAD compares: Admixed American, 0.012%; no homozygotes.

Submissions (2):

Ambry Genetics
Classification: Uncertain significance for Cardiovascular phenotype. Last evaluated: 2025-05-13. Review status: criteria provided, single submitter. Criteria: Ambry Variant Classification Scheme 2023. Collection method: clinical testing. Allele origin: germline.

Labcorp Genetics (formerly Invitae), Labcorp
Classification: Uncertain significance for Dilated cardiomyopathy 1KK. Last evaluated: 2021-08-24. Review status: criteria provided, single submitter. Criteria: Invitae Variant Classification Sherloc (09022015). Collection method: clinical testing. Allele origin: germline.
Comment: This sequence change replaces serine with proline at codon 209 of the MYPN protein (p.Ser209Pro). The serine residue is weakly conserved and there is a moderate physicochemical difference between serine and proline. This variant is not present in population databases (ExAC no frequency). This variant has not been reported in the literature in individuals affected with MYPN-related conditions. Algorithms developed to predict the effect of missense changes on protein structure and function (SIFT, PolyPhen-2, Align-GVGD) all suggest that this variant is likely to be tolerated. In summary, the available evidence is currently insufficient to determine the role of this variant in disease. Therefore, it has been classified as a Variant of Uncertain Significance.

NM_032578.4(MYPN):c.625T>C (p.Ser209Pro)

Gene: MYPN (myopalladin; plus strand). Cytogenetic location: 10q21.3.
Variant type: single nucleotide variant.
Coding change: c.625T>C on transcript NM_032578.4 (MANE Select); coding-DNA position 625, T replaced by C.
Protein change: p.Ser209Pro; replaces serine 209 with proline.
Molecular consequence: missense variant. On other transcripts: 5 prime UTR variant (1), non-coding transcript variant (1).
Genome position (GRCh38, 1-based): chr10:68,122,063, T>C. VCF-style: chr10-68122063-T-C. GRCh37 (hg19) VCF-style: chr10-69881820-T-C.
Other names: c.625T>C, p.Ser209Pro (NM_001256267.2); c.-498T>C (NM_001256268.2); c.625T>C (NM_032578.2); short protein forms S209P.
Identifiers: ClinVar variation 837513 (VCV000837513.7), dbSNP rs794729071, ClinGen allele CA377104775.
Genomic context (GRCh38, chr10:68,122,063, plus strand): 5'-AACAAAGTTATGCAGGAAAACAGCTCCAGTTTCTCAGATCTGTCAGAAAGACGAGAAAGA[T>C]CTTCTGTTCCCATCCCTATCCCTGCGGATACCAGGGATAATGAAGTGAATCACGCCCTGG-3'
Protein context (NP_115967.2, residues 199-219): FSDLSERRER[Ser209Pro]SVPIPIPADT